The following is an entry in ClinVar:

NM_023067.4(FOXL2):c.695_696insTGCAGCCGCAGCGGCTGCAGCAGCTGCGGCTGC (p.Ala234_Gly235insAlaAlaAlaAlaAlaAlaAlaAlaAlaAlaAla)

Gene: FOXL2 (forkhead box L2; minus strand). Cytogenetic location: 3q22.3.
Variant type: Insertion.
Coding change: c.695_696insTGCAGCCGCAGCGGCTGCAGCAGCTGCGGCTGC on transcript NM_023067.4 (MANE Select); coding-DNA positions 695 to 696, TGCAGCCGCAGCGGCTGCAGCAGCTGCGGCTGC inserted.
Protein change: p.Ala234_Gly235insAlaAlaAlaAlaAlaAlaAlaAlaAlaAlaAla.
Molecular consequence: inframe insertion.
Genome position: GRCh38: chr3:138,946,059-138,946,060. GRCh37 (hg19): chr3:138,664,901-138,664,902.
Identifiers: ClinVar variation 3382396 (VCV003382396.2).

ClinVar aggregate classification (germline): Likely pathogenic (1 of 4 stars; one submission).

Conditions:
Blepharophimosis, ptosis, and epicanthus inversus syndrome. Identifiers: Orphanet 126, MedGen C0220663, MONDO:0007201, OMIM 110100.
Premature ovarian failure 3 (POF3). Identifiers: MedGen C1837008, MONDO:0012169, OMIM 608996.

Submission:

Juno Genomics, Hangzhou Juno Genomics, Inc
Classification: Likely pathogenic for Blepharophimosis, ptosis, and epicanthus inversus syndrome; Premature ovarian failure 3. Review status: criteria provided, single submitter. Criteria: ACMG Guidelines, 2015. Collection method: clinical testing. Allele origin: germline. Affected: yes.
Comment: Absent from controls (or at extremely low frequency if recessive) in Genome Aggregation Database, Exome Sequencing Project, 1000 Genomes Project, or Exome Aggregation Consortium.;Protein length changes due to in-frame deletions/insertions in a non-repeat region or stop-loss variants.;Located in a mutational hot spot and/or critical and well-established functional domain (e.g. active site of an enzyme) without benign variation.;Patient's phenotype or family history is highly specific for a disease with a single genetic etiology.